The following is an entry in ClinVar:

NM_007194.4(CHEK2):c.1039G>A (p.Asp347Asn)

Gene: CHEK2 (checkpoint kinase 2; minus strand). Cytogenetic location: 22q12.1.
Variant type: single nucleotide variant.
Coding change: c.1039G>A on transcript NM_007194.4 (MANE Select); coding-DNA position 1039, G replaced by A.
Protein change: p.Asp347Asn; replaces aspartic acid 347 with asparagine.
Molecular consequence: missense variant. On other transcripts: intron variant (3).
Genome position (GRCh38, 1-based): chr22:28,696,957, C>T on the plus strand (G>A on the coding strand, the complement: CHEK2 is on the minus strand). VCF-style: chr22-28696957-C-T. GRCh37 (hg19) VCF-style: chr22-29092945-C-T.
Other names: p.D347N:GAC>AAC; c.1168G>A, p.Asp390Asn (NM_001005735.3); c.376G>A, p.Asp126Asn (NM_001257387.3, NM_001437942.1); c.838G>A, p.Asp280Asn (NM_001349956.3); c.1132G>A, p.Asp378Asn (NM_001438293.1); c.1009-1084G>A (NM_145862.3); c.1102-1084G>A (NM_001438295.1); c.1138-1084G>A (NM_001438294.1); short protein forms D347N, D280N, D390N, D126N, D378N.
Identifiers: ClinVar variation 182432 (VCV000182432.52), dbSNP rs28909980, ClinGen allele CA299076.

ClinVar aggregate classification (germline): Conflicting classifications of pathogenicity. Review status: criteria provided, conflicting classifications (1 of 4 stars). 14 submissions from 14 submitters: Likely pathogenic (12); Uncertain significance (2). Last evaluated 2026-07-14.

Conditions:
CHEK2-related disorder.
Hereditary cancer-predisposing syndrome. Also called: Tumor predisposition; Neoplastic Syndromes, Hereditary; Hereditary Cancer Syndrome; Hereditary neoplastic syndrome. Identifiers: Orphanet 140162, MedGen C0027672, MeSH D009386, MONDO:0015356.
Hereditary breast ovarian cancer syndrome. Also called: Hereditary breast and ovarian cancer; Hereditary breast and ovarian cancer syndrome (HBOC); Breast and ovarian cancer; Hereditary breast and/or ovarian cancer syndrome; BRCA1- and BRCA2-Associated Hereditary Breast and Ovarian Cancer; Hereditary breast and ovarian cancer syndrome. Identifiers: Orphanet 145, MedGen C0677776, MeSH D061325, MONDO:0003582. Disease mechanism: loss of function.
Familial cancer of breast. Also called: hereditary breast carcinoma; BREAST CANCER, FAMILIAL; Hereditary breast cancer. Identifiers: Orphanet 227535, MedGen C0346153, MONDO:0016419, OMIM 114480. Disease mechanism: loss of function.

Allele frequency attached by ClinVar (database versions not stated): ExAC 0.00001; gnomAD exomes 0.00001; TOPMed 0.00001.

Submissions (14):

German Consortium for Hereditary Breast and Ovarian Cancer, University Hospital Cologne
Classification: Likely pathogenic for Hereditary breast ovarian cancer syndrome. Last evaluated: 2026-07-14. Review status: criteria provided, single submitter. Criteria: ACMG SVI. Collection method: curation. Allele origin: germline.
Comment: This classification follows the ACMG SVI adaptation classification scheme; We chose these criteria: PS3 (strong pathogenic): Boonen (2022, PMID: 34903604) & Stolarova (2023, PMID: 37449874): DAMAGING in CHK2 & KAP1-assay Delimitsou (2019, PMID: 30851065): Non-functional Gebbia (2024, PMID: 39642869): pathogenic moderate, PS4 (supporting pathogenic): 20X in 84651 INDEX_CARRIER_FEMALE_BC in GC-HBOC vs. 40 in 589.706 gnomAD V4.1 NFEs, PP3 (supporting pathogenic): REVEL: 0.715

Labcorp Genetics (formerly Invitae), Labcorp
Classification: Uncertain significance for Familial cancer of breast. Last evaluated: 2026-01-28. Review status: criteria provided, single submitter. Criteria: Invitae Variant Classification Sherloc (09022015). Collection method: clinical testing. Allele origin: germline.
Comment: This sequence change replaces aspartic acid, which is acidic and polar, with asparagine, which is neutral and polar, at codon 347 of the CHEK2 protein (p.Asp347Asn). This variant is present in population databases (rs28909980, gnomAD 0.003%). This missense change has been observed in individual(s) with breast cancer (PMID: 26681312, 30303537, 34903604). ClinVar contains an entry for this variant (Variation ID: 182432). An algorithm developed to predict the effect of missense changes on protein structure and function (PolyPhen-2) suggests that this variant is likely to be disruptive. Experimental studies have shown that this missense change affects CHEK2 function (PMID: 30851065, 34903604, 37449874). Studies have shown that this missense change is associated with inconclusive levels of altered splicing (internal data). In summary, the available evidence is currently insufficient to determine the role of this variant in disease. Therefore, it has been classified as a Variant of Uncertain Significance.

Dasa
Classification: Likely pathogenic. Last evaluated: 2025-12-26. Review status: criteria provided, single submitter. Criteria: DASA Assertion Criteria. Collection method: clinical testing. Allele origin: germline.
Comment: NM_007194.4(CHEK2):c.1039G>A (p.Asp347Asn) is a missense variant that results in the substitution of aspartic acid with asparagine. Functional evidence supports an impact on the gene or gene product (PMID: 37449874). This variant has been reported in individuals with CHEK2-related disorders (PMID: 37449874). Also, this variant is rare in population databases. Computational evidence supports a deleterious effect. Based on the currently available evidence, this variant is classified as likely pathogenic.

Ambry Genetics
Classification: Likely pathogenic for Hereditary cancer-predisposing syndrome. Last evaluated: 2025-10-01. Review status: criteria provided, single submitter. Criteria: Ambry Variant Classification Scheme 2023. Collection method: clinical testing. Allele origin: germline.
Comment: The p.D347N variant (also known as c.1039G>A), located in coding exon 9 of the CHEK2 gene, results from a G to A substitution at nucleotide position 1039. The aspartic acid at codon 347 is replaced by asparagine, an amino acid with highly similar properties. This alteration has been identified in multiple individuals diagnosed with breast cancer (Hauke J et al. Cancer Med, 2018 04;7:1349-1358; Girard E et al. Int J Cancer, 2019 04;144:1962-1974; Dorling et al. N Engl J Med. 2021 02;384:428-439). In multiple assays testing CHEK2 function, this variant showed functionally abnormal results (Ghosh JC et al. Cancer Res., 2006 Dec;66:11576-9; Delimitsou A et al. Hum. Mutat., 2019 Mar; Boonen RACM et al. Cancer Res, 2022 02;82:615-631; Stolarova L et al. Clin Cancer Res, 2023 Aug;29:3037-3050). This alteration occurs at a critical catalytic residue in the highly conserved kinase domain of CHEK2; and based on internal structural assessment, this alteration disrupts conserved specific catalytic interactions in the active site (Ambry internal data; Oliver AW et al. EMBO J., 2006 Jul;25:3179-90; Cai Z et al. Mol. Cell, 2009 Sep;35:818-29). This amino acid position is highly conserved in available vertebrate species. In addition, the in silico prediction for this alteration is inconclusive. Based on the majority of available evidence to date, this variant is likely to be pathogenic.

Color Diagnostics, LLC DBA Color Health
Classification: Likely pathogenic for Hereditary cancer-predisposing syndrome. Last evaluated: 2025-06-30. Review status: criteria provided, single submitter. Criteria: ACMG Guidelines, 2015. Collection method: clinical testing. Allele origin: germline.
Comment: This missense variant replaces aspartic acid with asparagine at codon 347 in the kinase domain of the CHEK2 protein. Computational prediction suggests that this variant may have deleterious impact on protein structure and function. Functional studies have shown this variant to be damaging to CHEK2 function in a DNA damage repair assay in yeast (PMID: 30851065) and that this variant impacts CHEK2 function in autophosphorylation and phosphorylation of KAP1 in mammalian cells (PMID: 34903604, 37449874). This variant has been reported in seven individuals affected with breast cancer, including three individuals having familial breast cancer (PMID: 26681312, 28779002, 30303537Color internal data). This variant has been reported in two large case-control meta-analyses, in 4/60466 cases and 4/53461 unaffected controls (PMID: 33471991p-value=1Leiden Open Variation Database DB-ID CHEK2_000374) and 6/73048 cases and 4/88658 controls (PMID: 37449874). This variant has been identified in 3/251260 chromosomes in the general population by the Genome Aggregation Database (gnomAD). Based on the available evidence, this variant is classified as Likely Pathogenic.

Molecular Pathology, Peter Maccallum Cancer Centre
Classification: Uncertain significance for Familial cancer of breast. Last evaluated: 2025-06-12. Review status: criteria provided, single submitter. Criteria: ACMG Guidelines, 2015. Collection method: clinical testing. Allele origin: germline. Inheritance: Autosomal dominant inheritance.

Center for Genomic Medicine, Rigshospitalet, Copenhagen University Hospital
Classification: Likely pathogenic. Last evaluated: 2025-03-04. Review status: criteria provided, single submitter. Criteria: ACMG Guidelines, 2015. Collection method: clinical testing. Allele origin: germline.

Quest Diagnostics Nichols Institute San Juan Capistrano
Classification: Likely pathogenic. Last evaluated: 2025-03-03. Review status: criteria provided, single submitter. Criteria: Quest Diagnostics criteria. Collection method: clinical testing. Allele origin: unknown.
Comment: The CHEK2 c.1039G>A (p.Asp347Asn) variant has been reported in the published literature in individuals affected with breast cancer (PMIDs: 37449874 (2023), 35884425 (2022), 30303537 (2019), 26681312 (2015)) as well as in reportedly healthy individuals (PMID: 33471991 (2021), see also LOVD). Functional studies have shown reduced kinase activity, suggesting that this variant disrupts protein function (PMIDs: 39642869 (2024), 37449874 (2023), 34903604 (2021), 30851065 (2019)). The frequency of this variant in the general population (Genome Aggregation Database) is consistent with pathogenicity. Analysis of this variant using bioinformatics tools for the prediction of the effect of amino acid changes on protein structure and function yielded predictions that this variant is damaging. Based on the available information, this variant is classified as likely pathogenic.

Mendelics
Classification: Likely pathogenic for Familial cancer of breast. Last evaluated: 2024-08-01. Review status: criteria provided, single submitter. Criteria: Mendelics Assertion Criteria 2017. Collection method: clinical testing. Allele origin: unknown.

Myriad Genetics, Inc.
Classification: Likely pathogenic for Familial cancer of breast. Last evaluated: 2024-03-14. Review status: criteria provided, single submitter. Criteria: Myriad Autosomal Dominant, Autosomal Recessive and X-Linked Classification Criteria (2023). Collection method: clinical testing. Allele origin: unknown.
Comment: This variant is considered likely pathogenic. This variant is expected to disrupt protein structure [Myriad internal data, PMID: 19782031, 16794575]. Functional studies indicate this variant impacts protein function [PMID: 19782031, 16794575, 37449874, 34903604].

CeGaT Center for Human Genetics Tuebingen
Classification: Likely pathogenic. Last evaluated: 2024-03-01. Review status: criteria provided, single submitter. Criteria: CeGaT Center For Human Genetics Tuebingen Variant Classification Criteria Version 2. Collection method: clinical testing. Allele origin: germline. Affected: yes. Observed: 1 variant allele.
Comment: CHEK2: PM1, PS4:Moderate, PM2:Supporting, PS3:Supporting

Blueprint Genetics
Classification: Likely pathogenic for CHEK2-related disorders. Last evaluated: 2024-02-20. Review status: criteria provided, single submitter. Criteria: ACMG Guidelines, 2015. Collection method: clinical testing. Allele origin: germline. Affected: yes. Observed: 2 variant alleles.

Baylor Genetics
Classification: Likely pathogenic for Familial cancer of breast. Last evaluated: 2023-12-14. Review status: criteria provided, single submitter. Criteria: ACMG Guidelines, 2015. Collection method: clinical testing. Allele origin: unknown.

GeneDx
Classification: Likely pathogenic. Last evaluated: 2021-12-29. Review status: criteria provided, single submitter. Criteria: GeneDx Variant Classification Process June 2021. Collection method: clinical testing. Allele origin: germline. Affected: yes.
Comment: Published functional studies demonstrate a damaging effect: loss of kinase activity, diminished growth rate after DNA damage (Ghosh 2006, Delimitsou 2019, Boonen 2021); In silico analysis supports that this missense variant has a deleterious effect on protein structure/function; Not observed at significant frequency in large population cohorts (Lek 2016); Also known as c.1168G>A p.D390N; This variant is associated with the following publications: (PMID: 22419737, 17178848, 20160490, 21618645, 16794575, 19782031, 22159226, 9836640, 21153778, 10673500, 11085506, 29522266, 30851065, 30303537, 26681312, 34903604, 34803902)

Literature cited by the submitters: PubMed 26681312 (cited by 4 submitters); PubMed 30303537 (cited by 5 submitters); PubMed 34903604 (cited by 6 submitters); PubMed 30851065 (cited by 5 submitters); PubMed 37449874 (cited by 7 submitters); PubMed 16794575 (cited by Ambry Genetics and Myriad Genetics, Inc.); PubMed 17178848 (cited by Ambry Genetics); PubMed 19782031 (cited by Ambry Genetics and Myriad Genetics, Inc.); PubMed 28779002 (cited by Ambry Genetics and Color Diagnostics, LLC DBA Color Health); PubMed 29522266 (cited by Ambry Genetics); PubMed 33471991 (cited by 3 submitters); PubMed 9836640 (cited by Ambry Genetics); PubMed 39642869 (cited by Quest Diagnostics Nichols Institute San Juan Capistrano); PubMed 35884425 (cited by Quest Diagnostics Nichols Institute San Juan Capistrano).